The following is an entry in ClinVar:

NM_181458.4(PAX3):c.59A>G (p.Tyr20Cys)

Genes: CCDC140 (CCDC140 long non-coding RNA; plus strand), PAX3 (paired box 3; minus strand). Cytogenetic location: 2q36.1.
Variant type: single nucleotide variant.
Coding change: c.59A>G on transcript NM_181458.4 (MANE Select); coding-DNA position 59, A replaced by G.
Protein change: p.Tyr20Cys; replaces tyrosine 20 with cysteine.
Molecular consequence: missense variant.
Genome position (GRCh38, 1-based): chr2:222,298,557, T>C on the plus strand (A>G on the coding strand, the complement: PAX3 is on the minus strand). VCF-style: chr2-222298557-T-C. GRCh37 (hg19) VCF-style: chr2-223163276-T-C.
Other names: c.59A>G, p.Tyr20Cys (NM_000438.6, NM_001127366.3, NM_013942.5 and 4 more transcripts); short protein forms Y20C.
Identifiers: ClinVar variation 4686138 (VCV004686138.1).

ClinVar aggregate classification (germline): Uncertain significance (1 of 4 stars; one submission).

Submission:

GeneDx
Classification: Uncertain significance. Last evaluated: 2025-07-14. Review status: criteria provided, single submitter. Criteria: GeneDx Variant Classification Process June 2021. Collection method: clinical testing. Allele origin: germline. Affected: yes.
Comment: Not observed at significant frequency in large population cohorts (gnomAD); In silico analysis supports that this missense variant has a deleterious effect on protein structure/function; Has not been previously published as pathogenic or benign to our knowledge; This variant is associated with the following publications: (PMID: 27535533)